The following is an entry in ClinVar:

ClinVar aggregate classification (germline): Uncertain significance (1 of 4 stars; one submission).

Submission:

Labcorp Genetics (formerly Invitae), Labcorp
Classification: Uncertain significance. Last evaluated: 2024-01-07. Review status: criteria provided, single submitter. Criteria: Invitae Variant Classification Sherloc (09022015). Collection method: clinical testing. Allele origin: unknown.
Comment: A copy number gain of the genomic region encompassing the full coding sequence of the EMC1 gene has been identified. The boundaries of this event are unknown as they extend beyond the assayed region for this gene and therefore may encompass additional genes. As the precise location of this event is unknown, it may be in tandem or it may be located elsewhere in the genome. This variant has not been reported in the literature in individuals affected with EMC1-related conditions. In summary, the available evidence is currently insufficient to determine the role of this variant in disease. Therefore, it has been classified as a Variant of Uncertain Significance.

NC_000001.10:g.(?_19228936)_(19578003_?)dup

Genes: ALDH4A1 (aldehyde dehydrogenase 4 family member A1; minus strand), EMC1 (ER membrane protein complex subunit 1; minus strand), IFFO2 (intermediate filament family orphan 2; minus strand), UBR4 (ubiquitin protein ligase E3 component n-recognin 4; minus strand). Cytogenetic location: 1p36.13.
Variant type: Duplication.
Identifiers: ClinVar variation 3247990 (VCV003247990.1).